The following is an entry in ClinVar:

ClinVar aggregate classification (germline): Uncertain significance (1 of 4 stars; one submission).

gnomAD v4.1: 6 of 1,613,384 alleles (0.00037%); highest among the groups gnomAD compares: Admixed American, 0.0033%; no homozygotes.

Submission:

Labcorp Genetics (formerly Invitae), Labcorp
Classification: Uncertain significance. Last evaluated: 2022-10-27. Review status: criteria provided, single submitter. Criteria: Invitae Variant Classification Sherloc (09022015). Collection method: clinical testing. Allele origin: germline.
Comment: In summary, the available evidence is currently insufficient to determine the role of this variant in disease. Therefore, it has been classified as a Variant of Uncertain Significance. Advanced modeling of protein sequence and biophysical properties (such as structural, functional, and spatial information, amino acid conservation, physicochemical variation, residue mobility, and thermodynamic stability) performed at Invitae indicates that this missense variant is not expected to disrupt CFHR5 protein function. This variant has not been reported in the literature in individuals affected with CFHR5-related conditions. This variant is not present in population databases (gnomAD no frequency). This sequence change replaces isoleucine, which is neutral and non-polar, with threonine, which is neutral and polar, at codon 304 of the CFHR5 protein (p.Ile304Thr).

NM_030787.4(CFHR5):c.911T>C (p.Ile304Thr)

Gene: CFHR5 (complement factor H related 5; plus strand). Cytogenetic location: 1q31.3.
Variant type: single nucleotide variant.
Coding change: c.911T>C on transcript NM_030787.4 (MANE Select); coding-DNA position 911, T replaced by C.
Protein change: p.Ile304Thr; replaces isoleucine 304 with threonine.
Molecular consequence: missense variant.
Genome position (GRCh38, 1-based): chr1:196,996,142, T>C. VCF-style: chr1-196996142-T-C. GRCh37 (hg19) VCF-style: chr1-196965272-T-C.
Other names: short protein forms I304T.
Identifiers: ClinVar variation 2798984 (VCV002798984.3), dbSNP rs761903714, ClinGen allele CA344006050.
Genomic context (GRCh38, chr1:196,996,142, plus strand): 5'-TCCCTCCCTATCAACATGGAGTTTCAGTCGAGGTGAATTGCAGAAATGAATATGCAATGA[T>C]TGGAAATAACATGATTACCTGTATTAATGGAATATGGACAGAGCTTCCTATGTGTGTTGG-3'
Protein context (NP_110414.1, residues 294-314): EVNCRNEYAM[Ile304Thr]GNNMITCING